The following is an entry in ClinVar:

NM_018417.6(ADCY10):c.2507T>C (p.Ile836Thr)

Gene: ADCY10 (adenylate cyclase 10; minus strand). Cytogenetic location: 1q24.2.
Variant type: single nucleotide variant.
Coding change: c.2507T>C on transcript NM_018417.6 (MANE Select); coding-DNA position 2507, T replaced by C.
Protein change: p.Ile836Thr; replaces isoleucine 836 with threonine.
Molecular consequence: missense variant.
Genome position (GRCh38, 1-based): chr1:167,846,194, A>G on the plus strand (T>C on the coding strand, the complement: ADCY10 is on the minus strand). VCF-style: chr1-167846194-A-G. GRCh37 (hg19) VCF-style: chr1-167815432-A-G.
Other names: c.2048T>C, p.Ile683Thr (NM_001167749.3); c.2231T>C, p.Ile744Thr (NM_001297772.2); short protein forms I744T, I836T, I683T.
Identifiers: ClinVar variation 3656031 (VCV003656031.2).

ClinVar aggregate classification (germline): Uncertain significance (1 of 4 stars; one submission).

gnomAD v4.1: 1 of 1,614,254 alleles (0.000062%); highest among the groups gnomAD compares: South Asian, 0.0011%; no homozygotes.

Submission:

Labcorp Genetics (formerly Invitae), Labcorp
Classification: Uncertain significance. Last evaluated: 2025-06-12. Review status: criteria provided, single submitter. Criteria: Invitae Variant Classification Sherloc (09022015). Collection method: clinical testing. Allele origin: germline.
Comment: This sequence change replaces isoleucine, which is neutral and non-polar, with threonine, which is neutral and polar, at codon 836 of the ADCY10 protein (p.Ile836Thr). This variant is not present in population databases (gnomAD no frequency). This variant has not been reported in the literature in individuals affected with ADCY10-related conditions. ClinVar contains an entry for this variant (Variation ID: 3656031). An algorithm developed to predict the effect of missense changes on protein structure and function outputs the following: PolyPhen-2: "Benign". The threonine amino acid residue is found in multiple mammalian species, which suggests that this missense change does not adversely affect protein function. In summary, the available evidence is currently insufficient to determine the role of this variant in disease. Therefore, it has been classified as a Variant of Uncertain Significance.